The following is an entry in ClinVar:

ClinVar aggregate classification (germline): Pathogenic (1 of 4 stars; one submission).

Conditions:
Werner syndrome (WRN). Identifiers: Orphanet 902, MedGen C0043119, MONDO:0010196, OMIM 277700.

Submission:

Labcorp Genetics (formerly Invitae), Labcorp
Classification: Pathogenic for Werner syndrome. Last evaluated: 2023-08-16. Review status: criteria provided, single submitter. Criteria: Invitae Variant Classification Sherloc (09022015). Collection method: clinical testing. Allele origin: germline.
Comment: For these reasons, this variant has been classified as Pathogenic. This variant has not been reported in the literature in individuals affected with WRN-related conditions. This variant is not present in population databases (gnomAD no frequency). This sequence change creates a premature translational stop signal (p.Leu1003Tyrfs*20) in the WRN gene. It is expected to result in an absent or disrupted protein product. Loss-of-function variants in WRN are known to be pathogenic (PMID: 16673358).

Literature cited by the submitters: PubMed 16673358.

NM_000553.6(WRN):c.3008del (p.Leu1003fs)

Gene: WRN (WRN RecQ like helicase; plus strand). Cytogenetic location: 8p12.
Variant type: Deletion.
Coding change: c.3008del on transcript NM_000553.6 (MANE Select); coding-DNA position 3008, one base deleted (T; older notation c.3008delT).
Protein change: p.Leu1003fs; shifts the reading frame from leucine 1003.
Molecular consequence: frameshift variant.
Genome position (GRCh38, 1-based): chr8:31,141,470, T deleted; the last of 3 consecutive T bases (chr8:31,141,468-31,141,470); deleting any one gives the same sequence. VCF-style (leftmost placement, unchanged base first): chr8-31141467-GT-G. GRCh37 (hg19) VCF-style: chr8-30998983-GT-G.
Other names: short protein forms L1003fs.
Identifiers: ClinVar variation 2955488 (VCV002955488.3), dbSNP rs1802626671, ClinGen allele CA2740094979.